The following is an entry in ClinVar:

NM_000124.4(ERCC6):c.3482dup (p.Ser1161fs)

Gene: ERCC6 (ERCC excision repair 6, chromatin remodeling factor; minus strand). Cytogenetic location: 10q11.23.
Variant type: Duplication.
Coding change: c.3482dup on transcript NM_000124.4 (MANE Select); coding-DNA position 3482, one base duplicated (G; older notation c.3482dupG).
Protein change: p.Ser1161fs; shifts the reading frame from serine 1161.
Molecular consequence: frameshift variant.
Genome position (GRCh38, 1-based): chr10:49,470,478, C duplicated on the plus strand (G on the coding strand, the reverse complement: ERCC6 is on the minus strand). VCF-style (leftmost placement, unchanged base first): chr10-49470477-G-GC. GRCh37 (hg19) VCF-style: chr10-50678523-G-GC.
Other names: c.3482dup, p.Ser1161fs (NM_001346440.2); short protein forms S1161fs.
Identifiers: ClinVar variation 5013409 (VCV005013409.1).

ClinVar aggregate classification (germline): Pathogenic (1 of 4 stars; one submission).

Conditions:
Cockayne spectrum with or without cerebrooculofacioskeletal syndrome. Identifiers: MedGen CN315928, MONDO:0100506.

Submission:

Myriad Genetics, Inc.
Classification: Pathogenic for Cockayne spectrum with or without cerebrooculofacioskeletal syndrome. Last evaluated: 2024-08-02. Review status: criteria provided, single submitter. Criteria: Myriad Autosomal Dominant, Autosomal Recessive and X-Linked Classification Criteria (2023). Collection method: clinical testing. Allele origin: unknown.
Comment: NM_000124.2(ERCC6):c.3482dupG(S1161Rfs*12) is expected to be pathogenic in the context of ERCC6-related disorders. This variant is predicted to lead to an abnormal or absent protein product due to the creation of a premature termination codon in ERCC6, a gene where loss-of-function variants are known to be pathogenic. Please note: this variant was assessed in the context of healthy population screening.